The following is an entry in ClinVar:

NM_021815.5(SLC5A7):c.1699G>T (p.Asp567Tyr)

Gene: SLC5A7 (solute carrier family 5 member 7; plus strand). Cytogenetic location: 2q12.3.
Variant type: single nucleotide variant.
Coding change: c.1699G>T on transcript NM_021815.5 (MANE Select); coding-DNA position 1699, G replaced by T.
Protein change: p.Asp567Tyr; replaces aspartic acid 567 with tyrosine.
Molecular consequence: missense variant.
Genome position (GRCh38, 1-based): chr2:108,010,817, G>T. VCF-style: chr2-108010817-G-T. GRCh37 (hg19) VCF-style: chr2-108627273-G-T.
Other names: c.1699G>T, p.Asp567Tyr (NM_001305005.3); c.1384G>T, p.Asp462Tyr (NM_001305006.3); c.958G>T, p.Asp320Tyr (NM_001305007.3); short protein forms D462Y, D567Y, D320Y.
Identifiers: ClinVar variation 660132 (VCV000660132.6), dbSNP rs1573619033, ClinGen allele CA348115157.

ClinVar aggregate classification (germline): Uncertain significance (1 of 4 stars; one submission).

Conditions:
Congenital myasthenic syndrome 20. Also called: Myasthenic syndrome, congenital, 20, presynaptic. Identifiers: MedGen C4310694, MONDO:0014939, OMIM 617143.
Neuronopathy, distal hereditary motor, type 7A. Also called: Neuronopathy, distal hereditary motor, type viia; NEURONOPATHY, DISTAL HEREDITARY MOTOR, HARDING TYPE VIIA; NEUROPATHY, DISTAL HEREDITARY MOTOR, HARDING TYPE VIIA; Neuronopathy, distal hereditary motor, autosomal dominant 7; HARPER-YOUNG MYOPATHY; HMN VIIA. Identifiers: Orphanet 139589, MedGen C1834703, MONDO:0008024, OMIM 158580.

Submission:

Labcorp Genetics (formerly Invitae), Labcorp
Classification: Uncertain significance for Neuronopathy, distal hereditary motor, type 7A; Congenital myasthenic syndrome 20. Last evaluated: 2018-11-28. Review status: criteria provided, single submitter. Criteria: Invitae Variant Classification Sherloc (09022015). Collection method: clinical testing. Allele origin: germline.
Comment: In summary, the available evidence is currently insufficient to determine the role of this variant in disease. Therefore, it has been classified as a Variant of Uncertain Significance. Algorithms developed to predict the effect of missense changes on protein structure and function (SIFT, PolyPhen-2, Align-GVGD) all suggest that this variant is likely to be tolerated, but these predictions have not been confirmed by published functional studies and their clinical significance is uncertain. This variant has not been reported in the literature in individuals with SLC5A7-related conditions. This variant is not present in population databases (ExAC no frequency). This sequence change replaces aspartic acid with tyrosine at codon 567 of the SLC5A7 protein (p.Asp567Tyr). The aspartic acid residue is moderately conserved and there is a large physicochemical difference between aspartic acid and tyrosine.